The following is an entry in ClinVar:

NM_000492.4(CFTR):c.991A>G (p.Ile331Val)

Gene: CFTR (CF transmembrane conductance regulator; plus strand). Cytogenetic location: 7q31.2.
Variant type: single nucleotide variant.
Coding change: c.991A>G on transcript NM_000492.4 (MANE Select); coding-DNA position 991, A replaced by G.
Protein change: p.Ile331Val; replaces isoleucine 331 with valine.
Molecular consequence: missense variant.
Genome position (GRCh38, 1-based): chr7:117,540,221, A>G. VCF-style: chr7-117540221-A-G. GRCh37 (hg19) VCF-style: chr7-117180275-A-G.
Other names: short protein forms I331V.
Identifiers: ClinVar variation 3491701 (VCV003491701.1).

ClinVar aggregate classification (germline): Uncertain significance (1 of 4 stars; one submission).

Conditions:
Cystic fibrosis (CF). Also called: MUCOVISCIDOSIS. Identifiers: Orphanet 586, MedGen C0010674, MONDO:0009061, OMIM 219700. Disease mechanism: loss of function.

Submission:

Ambry Genetics
Classification: Uncertain significance for Cystic fibrosis. Last evaluated: 2024-11-16. Review status: criteria provided, single submitter. Criteria: Ambry Variant Classification Scheme 2023. Collection method: clinical testing. Allele origin: germline.
Comment: The p.I331V variant (also known as c.991A>G), located in coding exon 8 of the CFTR gene, results from an A to G substitution at nucleotide position 991. The isoleucine at codon 331 is replaced by valine, an amino acid with highly similar properties. This amino acid position is conserved. In addition, the in silico prediction for this alteration is inconclusive. Based on the available evidence, the clinical significance of this variant remains unclear.